The following is an entry in ClinVar:

ClinVar aggregate classification (germline): Uncertain significance. Review status: criteria provided, multiple submitters, no conflicts (2 of 4 stars). 2 submissions from 2 submitters: Uncertain significance (2). Last evaluated 2023-10-28.

Conditions:
Juvenile polyposis syndrome (JPS). Identifiers: Orphanet 2929, MedGen C0345893, MONDO:0017380, OMIM 174900.
Familial thoracic aortic aneurysm and aortic dissection (TAAD). Also called: Thoracic aortic aneurysms and dissections. Identifiers: Orphanet 91387, MedGen C4707243, MONDO:0019625.
Hereditary cancer-predisposing syndrome. Also called: Hereditary neoplastic syndrome; Neoplastic Syndromes, Hereditary; Tumor predisposition; Hereditary Cancer Syndrome. Identifiers: Orphanet 140162, MedGen C0027672, MeSH D009386, MONDO:0015356.

Submissions (2):

Labcorp Genetics (formerly Invitae), Labcorp
Classification: Uncertain significance for Juvenile polyposis syndrome. Last evaluated: 2023-10-28. Review status: criteria provided, single submitter. Criteria: Invitae Variant Classification Sherloc (09022015). Collection method: clinical testing. Allele origin: germline.
Comment: This sequence change replaces glycine, which is neutral and non-polar, with glutamic acid, which is acidic and polar, at codon 168 of the SMAD4 protein (p.Gly168Glu). This variant is not present in population databases (gnomAD no frequency). This variant has not been reported in the literature in individuals affected with SMAD4-related conditions. ClinVar contains an entry for this variant (Variation ID: 484833). Advanced modeling of protein sequence and biophysical properties (such as structural, functional, and spatial information, amino acid conservation, physicochemical variation, residue mobility, and thermodynamic stability) performed at Invitae indicates that this missense variant is not expected to disrupt SMAD4 protein function with a negative predictive value of 95%. In summary, the available evidence is currently insufficient to determine the role of this variant in disease. Therefore, it has been classified as a Variant of Uncertain Significance.

Ambry Genetics
Classification: Uncertain significance for Hereditary cancer-predisposing syndrome; Familial thoracic aortic aneurysm and aortic dissection. Last evaluated: 2017-09-12. Review status: criteria provided, single submitter. Criteria: Ambry Variant Classification Scheme 2023. Collection method: clinical testing. Allele origin: germline.
Comment: The p.G168E variant (also known as c.503G>A), located in coding exon 4 of the SMAD4 gene, results from a G to A substitution at nucleotide position 503. The glycine at codon 168 is replaced by glutamic acid, an amino acid with similar properties. This amino acid position is well conserved in available vertebrate species. In addition, the in silico prediction for this alteration is inconclusive. Since supporting evidence is limited at this time, the clinical significance of this alteration remains unclear.

NM_005359.6(SMAD4):c.503G>A (p.Gly168Glu)

Gene: SMAD4 (SMAD family member 4; plus strand). Cytogenetic location: 18q21.2.
Variant type: single nucleotide variant.
Coding change: c.503G>A on transcript NM_005359.6 (MANE Select); coding-DNA position 503, G replaced by A.
Protein change: p.Gly168Glu; replaces glycine 168 with glutamic acid.
Molecular consequence: missense variant.
Genome position (GRCh38, 1-based): chr18:51,054,829, G>A. VCF-style: chr18-51054829-G-A. GRCh37 (hg19) VCF-style: chr18-48581199-G-A.
Other names: short protein forms G168E.
Identifiers: ClinVar variation 484833 (VCV000484833.8), dbSNP rs1555685631, ClinGen allele CA402460729.